The following is an entry in ClinVar:

ClinVar aggregate classification (germline): Uncertain significance (1 of 4 stars; one submission).

Conditions:
Leukocyte adhesion deficiency 3. Also called: Leukocyte adhesion deficiency, type III; INTEGRIN ACTIVATION DEFICIENCY DISEASE; LEUKOCYTE ADHESION DEFICIENCY 1 VARIANT. Identifiers: Orphanet 2968, Orphanet 99844, MedGen C2748536, MONDO:0013016, OMIM 612840.

gnomAD v4.1: 23 of 1,614,068 alleles (0.0014%); highest among the groups gnomAD compares: Admixed American, 0.038%; no homozygotes.

Submission:

Labcorp Genetics (formerly Invitae), Labcorp
Classification: Uncertain significance for Leukocyte adhesion deficiency 3. Last evaluated: 2024-01-15. Review status: criteria provided, single submitter. Criteria: Invitae Variant Classification Sherloc (09022015). Collection method: clinical testing. Allele origin: germline.
Comment: This sequence change replaces arginine, which is basic and polar, with leucine, which is neutral and non-polar, at codon 250 of the FERMT3 protein (p.Arg250Leu). This variant is present in population databases (no rsID available, gnomAD 0.02%). This variant has not been reported in the literature in individuals affected with FERMT3-related conditions. ClinVar contains an entry for this variant (Variation ID: 1991694). Advanced modeling of protein sequence and biophysical properties (such as structural, functional, and spatial information, amino acid conservation, physicochemical variation, residue mobility, and thermodynamic stability) has been performed at Invitae for this missense variant, however the output from this modeling did not meet the statistical confidence thresholds required to predict the impact of this variant on FERMT3 protein function. In summary, the available evidence is currently insufficient to determine the role of this variant in disease. Therefore, it has been classified as a Variant of Uncertain Significance.

NM_031471.6(FERMT3):c.749G>T (p.Arg250Leu)

Gene: FERMT3 (FERM domain containing kindlin 3; plus strand). Cytogenetic location: 11q13.1.
Variant type: single nucleotide variant.
Coding change: c.749G>T on transcript NM_031471.6 (MANE Select); coding-DNA position 749, G replaced by T.
Protein change: p.Arg250Leu; replaces arginine 250 with leucine.
Molecular consequence: missense variant.
Genome position (GRCh38, 1-based): chr11:64,211,710, G>T. VCF-style: chr11-64211710-G-T. GRCh37 (hg19) VCF-style: chr11-63979182-G-T.
Other names: c.749G>T, p.Arg250Leu (NM_001382361.1, NM_001382362.1, NM_001382448.1 and 1 more transcripts); c.209G>T, p.Arg70Leu (NM_001382363.1, NM_001382364.1); short protein forms R70L, R250L.
Identifiers: ClinVar variation 1991694 (VCV001991694.4), dbSNP rs764034289, ClinGen allele CA381083870.
Genomic context (GRCh38, chr11:64,211,710, plus strand): 5'-TGGACTCGTCGCGGTGTCTCATGCAGCAGGGCATCAAGGCCGGGGACGCACTCTGGCTGC[G>T]CTTCAAGTACTACAGCTTCTTCGATTTGGATCCCAAGGTGGGTCGGGGCAGGGAGAAAGC-3'
Protein context (NP_113659.3, residues 240-260): GIKAGDALWL[Arg250Leu]FKYYSFFDLD